The following is an entry in ClinVar:

NM_152743.4(BRAT1):c.1291G>A (p.Asp431Asn)

Gene: BRAT1 (BRCA1 associated ATM activator 1; minus strand). Cytogenetic location: 7p22.3.
Variant type: single nucleotide variant.
Coding change: c.1291G>A on transcript NM_152743.4 (MANE Select); coding-DNA position 1291, G replaced by A.
Protein change: p.Asp431Asn; replaces aspartic acid 431 with asparagine.
Molecular consequence: missense variant. On other transcripts: non-coding transcript variant (1).
Genome position (GRCh38, 1-based): chr7:2,541,328, C>T on the plus strand (G>A on the coding strand, the complement: BRAT1 is on the minus strand). VCF-style: chr7-2541328-C-T. GRCh37 (hg19) VCF-style: chr7-2580962-C-T.
Other names: c.1291G>A, p.Asp431Asn (NM_001350626.2); c.766G>A, p.Asp256Asn (NM_001350627.2); short protein forms D256N, D431N.
Identifiers: ClinVar variation 1051470 (VCV001051470.4), dbSNP rs138016332, ClinGen allele CA4127847.

ClinVar aggregate classification (germline): Uncertain significance (1 of 4 stars; one submission).

Conditions:
Neonatal-onset encephalopathy with rigidity and seizures. Also called: Lethal neonatal spasticity-epileptic encephalopathy syndrome. Identifiers: Orphanet 435845, MedGen C3281029, MONDO:0013784, OMIM 614498.

Allele frequency attached by ClinVar (database versions not stated): gnomAD exomes 0.00004 and 0.00006; TOPMed 0.00008; ExAC 0.00009; gnomAD 0.00013 and 0.00016; ESP Exome Variant Server 0.00023.
gnomAD v4.1: 75 of 1,600,262 alleles (0.0047%); highest among the groups gnomAD compares: African/African-American, 0.051%; no homozygotes.

Submission:

Labcorp Genetics (formerly Invitae), Labcorp
Classification: Uncertain significance for Neonatal-onset encephalopathy with rigidity and seizures. Last evaluated: 2022-09-06. Review status: criteria provided, single submitter. Criteria: Invitae Variant Classification Sherloc (09022015). Collection method: clinical testing. Allele origin: germline.
Comment: This sequence change replaces aspartic acid, which is acidic and polar, with asparagine, which is neutral and polar, at codon 431 of the BRAT1 protein (p.Asp431Asn). This variant is present in population databases (rs138016332, gnomAD 0.06%). This variant has not been reported in the literature in individuals affected with BRAT1-related conditions. ClinVar contains an entry for this variant (Variation ID: 1051470). Algorithms developed to predict the effect of missense changes on protein structure and function are either unavailable or do not agree on the potential impact of this missense change (SIFT: "Deleterious"; PolyPhen-2: "Probably Damaging"; Align-GVGD: "Class C0"). In summary, the available evidence is currently insufficient to determine the role of this variant in disease. Therefore, it has been classified as a Variant of Uncertain Significance.